The following is an entry in ClinVar:

ClinVar aggregate classification (germline): Uncertain significance (1 of 4 stars; one submission).

Conditions:
Cystic fibrosis (CF). Also called: MUCOVISCIDOSIS. Identifiers: Orphanet 586, MedGen C0010674, MONDO:0009061, OMIM 219700. Disease mechanism: loss of function.

Submission:

Ambry Genetics
Classification: Uncertain significance for Cystic fibrosis. Last evaluated: 2026-01-11. Review status: criteria provided, single submitter. Criteria: Ambry Variant Classification Scheme 2023. Collection method: clinical testing. Allele origin: germline.
Comment: The p.N386Y variant (also known as c.1156A>T), located in coding exon 9 of the CFTR gene, results from an A to T substitution at nucleotide position 1156. The asparagine at codon 386 is replaced by tyrosine, an amino acid with dissimilar properties. This amino acid position is conserved. In addition, this alteration is predicted to be deleterious by in silico analysis. Based on the available evidence, the clinical significance of this variant remains unclear.

NM_000492.4(CFTR):c.1156A>T (p.Asn386Tyr)

Gene: CFTR (CF transmembrane conductance regulator; plus strand). Cytogenetic location: 7q31.2.
Variant type: single nucleotide variant.
Coding change: c.1156A>T on transcript NM_000492.4 (MANE Select); coding-DNA position 1156, A replaced by T.
Protein change: p.Asn386Tyr; replaces asparagine 386 with tyrosine.
Molecular consequence: missense variant.
Genome position (GRCh38, 1-based): chr7:117,542,055, A>T. VCF-style: chr7-117542055-A-T. GRCh37 (hg19) VCF-style: chr7-117182109-A-T.
Other names: short protein forms N386Y.
Identifiers: ClinVar variation 4843830 (VCV004843830.1).